The following is an entry in ClinVar:

NM_000548.5(TSC2):c.3846_3855delinsG (p.Ser1282_Gly1285delinsArg)

Gene: TSC2 (TSC complex subunit 2; plus strand). Cytogenetic location: 16p13.3.
Variant type: Indel.
Coding change: c.3846_3855delinsG on transcript NM_000548.5 (MANE Select); coding-DNA positions 3846 to 3855, CTGCCAAGGA replaced by G.
Protein change: p.Ser1282_Gly1285delinsArg.
Molecular consequence: inframe indel. On other transcripts: intron variant (6).
Genome position (GRCh38, 1-based): chr16:2,082,467-2,082,476, CTGCCAAGGA replaced by G. VCF-style: chr16-2082467-CTGCCAAGGA-G. GRCh37 (hg19) VCF-style: chr16-2132468-CTGCCAAGGA-G.
Other names: c.3846_3855delinsG (NM_000548.4); c.3114_3123delinsG, p.Ser1038_Gly1041delinsArg (NM_001318831.2); c.3714_3723delinsG, p.Ser1238_Gly1241delinsArg (NM_001370404.1); c.3717_3726delinsG, p.Ser1239_Gly1242delinsArg (NM_001370405.1, NM_021055.3); c.3814+669_3814+678delinsG (NM_001114382.3); c.3685+669_3685+678delinsG (NM_001363528.2); c.3682+669_3682+678delinsG (NM_001077183.3); c.3574+669_3574+678delinsG (NM_001318827.2); and 2 more.
Identifiers: ClinVar variation 135377 (VCV000135377.28), dbSNP rs587778732, ClinGen allele CA019595.
Genomic context (GRCh38, chr16:2,082,467, plus strand): 5'-ACGTGGCCGCACACGGCCTTCCCTTGCAGTGGCCTCTTTCTCCTCCCTGTACCAGTCCAG[CTGCCAAGGA>G]CAGCTGCACAGGAGCGTTTCCTGGGCAGGTATCGCCTCTCAGAGGGAAGCGGTTGGCTGC-3'

ClinVar aggregate classification (germline): Conflicting classifications of pathogenicity. Review status: criteria provided, conflicting classifications (1 of 4 stars). 15 submissions from 15 submitters: Uncertain significance (6); Benign (1); Likely benign (6). 2 of the submissions do not count toward it. Last evaluated 2025-09-10.

Conditions:
TSC2-related disorder. Also called: TSC2-related condition; TSC2-Related Disorders.
Isolated focal cortical dysplasia type II (FCORD2). Also called: CORTICAL DYSPLASIA OF TAYLOR; Focal cortical dysplasia type II. Identifiers: Orphanet 268994, MedGen C1846385, MONDO:0011818, OMIM 607341, HP:0032051.
Tuberous sclerosis 2 (TSC2). Identifiers: Orphanet 805, MedGen C1860707, MONDO:0013199, OMIM 613254.
Lymphangiomyomatosis (LAM). Also called: Lymphangioleiomyomatosis; Lymphangioleiomyomatosis, somatic. Identifiers: Orphanet 538, MedGen C0751674, MONDO:0011705, OMIM 606690.
Hereditary cancer-predisposing syndrome. Also called: Tumor predisposition; Hereditary neoplastic syndrome; Neoplastic Syndromes, Hereditary; Hereditary Cancer Syndrome. Identifiers: Orphanet 140162, MedGen C0027672, MeSH D009386, MONDO:0015356.
Tuberous sclerosis syndrome (TSC). Also called: Tuberous sclerosis; Tuberous Sclerosis Complex. Identifiers: Orphanet 805, MedGen C0041341, MONDO:0001734.

Submissions (15):

Quest Diagnostics Nichols Institute San Juan Capistrano
Classification: Uncertain significance. Last evaluated: 2025-09-10. Review status: criteria provided, single submitter. Criteria: Quest Diagnostics criteria. Collection method: clinical testing. Allele origin: unknown.

Color Diagnostics, LLC DBA Color Health
Classification: Uncertain significance for Tuberous sclerosis syndrome. Last evaluated: 2025-05-28. Review status: criteria provided, single submitter. Criteria: ACMG Guidelines, 2015. Collection method: clinical testing. Allele origin: germline.
Comment: This variant is an in-frame indel located in exon 32 of the the TSC2 protein. To our knowledge, functional studies have not been reported for this variant, however exon 32 is not known to harbor pathogenic variants (PMID: 26703369). This variant has not been reported in individuals affected with TSC2-related disorders in the literature, but has been reported in individuals without tuberous sclerosis (PMID: 21624971, 24728327, 29655203). This variant has not been identified in the general population by the Genome Aggregation Database (gnomAD). The available evidence is insufficient to determine the role of this variant in disease conclusively. Therefore, this variant is classified as a Variant of Uncertain Significance.

Women's Health and Genetics/Laboratory Corporation of America, LabCorp
Classification: Likely benign. Last evaluated: 2024-04-17. Review status: criteria provided, single submitter. Criteria: LabCorp Variant Classification Summary - May 2015. Collection method: clinical testing. Allele origin: germline.
Comment: Variant summary: TSC2 c.3846_3855delinsG (p.Ser1282_Gly1285delinsArg) results in an in-frame deletion-insertion that is predicted to delete/insert 4 amino acids from the protein and also cause changes in 1 amino acid. The variant allele was found at a frequency of 0.00013 in 281462 control chromosomes. The observed variant frequency is approximately 2-fold of the estimated maximal expected allele frequency for a pathogenic variant in TSC2 causing Tuberous Sclerosis Complex phenotype (6.9e-05), strongly suggesting that the variant is benign. c.3846_3855delinsG has been reported in the literature in unspecified individual(s) affected with epilepsy and neurodevelopmental disorder (Lindy_2018). These report(s) do not provide unequivocal conclusions about association of the variant with Tuberous Sclerosis Complex. To our knowledge, no experimental evidence demonstrating an impact on protein function has been reported. The following publication has been ascertained in the context of this evaluation (PMID: 29655203). ClinVar contains an entry for this variant (Variation ID: 135377). Based on the evidence outlined above, the variant was classified as likely benign.

Myriad Genetics, Inc.
Classification: Likely benign for Tuberous sclerosis 2. Last evaluated: 2023-11-13. Review status: criteria provided, single submitter. Criteria: Myriad Autosomal Dominant, Autosomal Recessive and X-Linked Classification Criteria (2023). Collection method: clinical testing. Allele origin: unknown.
Comment: This variant is considered likely benign. Homozygosity has been confirmed in one or more individuals. As homozygosity for pathogenic variants in this gene is generally assumed to result in embryonic lethality, this variant is unlikely to be pathogenic.

ARUP Laboratories, Molecular Genetics and Genomics, ARUP Laboratories
Classification: Likely benign. Last evaluated: 2023-09-18. Review status: criteria provided, single submitter. Criteria: ARUP Molecular Germline Variant Investigation Process 2024. Collection method: clinical testing. Allele origin: germline.

Ambry Genetics
Classification: Benign for Hereditary cancer-predisposing syndrome. Last evaluated: 2023-08-16. Review status: criteria provided, single submitter. Criteria: Ambry General Variant Classification Scheme_2022. Collection method: clinical testing. Allele origin: germline.

Department of Pathology and Laboratory Medicine, Sinai Health System
Classification: Uncertain significance for Lymphangiomyomatosis; Isolated focal cortical dysplasia type II; Tuberous sclerosis 2. Last evaluated: 2023-06-01. Review status: criteria provided, single submitter. Criteria: ACMG Guidelines, 2015. Collection method: clinical testing. Allele origin: germline. Affected: yes.

Revvity Omics, Revvity
Classification: Uncertain significance for Tuberous sclerosis 2. Last evaluated: 2022-11-21. Review status: criteria provided, single submitter. Criteria: ACMG Guidelines, 2015. Collection method: clinical testing. Allele origin: germline.

Labcorp Genetics (formerly Invitae), Labcorp
Classification: Likely benign for Tuberous sclerosis 2. Last evaluated: 2022-01-27. Review status: criteria provided, single submitter. Criteria: Invitae Variant Classification Sherloc (09022015). Collection method: clinical testing. Allele origin: germline.

Genome-Nilou Lab
Classification: Likely benign for Tuberous sclerosis 2. Last evaluated: 2021-11-07. Review status: criteria provided, single submitter. Criteria: ACMG Guidelines, 2015. Collection method: clinical testing. Allele origin: germline. Affected: no.

St. Jude Molecular Pathology, St. Jude Children's Research Hospital
Classification: Likely benign for Tuberous sclerosis syndrome. Last evaluated: 2021-04-08. Review status: criteria provided, single submitter. Criteria: St. Jude Assertion Criteria 2020. Collection method: clinical testing. Allele origin: germline.
Comment: The TSC2 c.3846_3855delinsG (p.Ser1282_Gly1285delinsArg) change is absent in gnomAD v2.1.1 (PM2_Supporting). This change is predicted to delete four amino acids and replace them with an arginine while preserving the reading frame. Functional studies indicate that this variant does not affect TSC2 protein stability, the interaction between TSC1 and TSC2, or TSC complex-dependent inhibition of TORC1 activity (BS3; PMID: 26703369). This variant has been identified in a family who fulfills diagnostic criteria for TSC and also carries a definite TSC-causing variant (BP2; PMID: 26703369), as well as unaffected individuals (internal data). In summary, this variant meets criteria to be classified as likely benign based on the ACMG/AMP criteria: BS3, BP2, PM2_Supporting.

Athena Diagnostics
Classification: Uncertain significance. Last evaluated: 2016-12-21. Review status: criteria provided, single submitter. Criteria: Athena Diagnostics Criteria. Collection method: clinical testing. Allele origin: germline.

Eurofins Ntd Llc (ga)
Classification: Uncertain significance. Last evaluated: 2016-09-15. Review status: criteria provided, single submitter. Criteria: EGL Classification Definitions 2015. Collection method: clinical testing. Allele origin: germline. Observed: 1 variant allele, 1 heterozygote.

PreventionGenetics, part of Exact Sciences
Classification: Likely benign for TSC2-related condition. Last evaluated: 2022-11-14. Review status: no assertion criteria provided. Collection method: clinical testing. Allele origin: germline. Not counted in ClinVar's aggregate classification.
Comment: This variant is classified as likely benign based on ACMG/AMP sequence variant interpretation guidelines (Richards et al. 2015 PMID: 25741868, with internal and published modifications).

ITMI
No classification provided. Condition: AllHighlyPenetrant. Last evaluated: 2013-09-19. Review status: no classification provided. Collection method: reference population. Allele origin: germline. Not counted in ClinVar's aggregate classification.
Comment: Please see associated publication for description of ethnicities

Literature cited by the submitters: PubMed 21624971 (cited by Color Diagnostics, LLC DBA Color Health and Ambry Genetics); PubMed 24728327 (cited by 4 submitters); PubMed 26703369 (cited by 3 submitters); PubMed 29655203 (cited by Color Diagnostics, LLC DBA Color Health and Women's Health and Genetics/Laboratory Corporation of America, LabCorp).